The following is an entry in ClinVar:

NM_001372574.1(ATXN2):c.3234G>A (p.Ala1078=)

Gene: ATXN2 (ataxin 2; minus strand). Cytogenetic location: 12q24.12.
Variant type: single nucleotide variant.
Coding change: c.3234G>A on transcript NM_001372574.1 (MANE Select); coding-DNA position 3234, G replaced by A.
Protein change: p.Ala1078=; no amino-acid change (alanine 1078 retained).
Molecular consequence: synonymous variant. On other transcripts: non-coding transcript variant (1).
Genome position (GRCh38, 1-based): chr12:111,456,065, C>T on the plus strand (G>A on the coding strand, the complement: ATXN2 is on the minus strand). VCF-style: chr12-111456065-C-T. GRCh37 (hg19) VCF-style: chr12-111893869-C-T.
Other names: c.2913G>A, p.Ala971= (NM_001310121.1); c.2787G>A, p.Ala929= (NM_001310123.1); c.3228G>A, p.Ala1076= (NM_002973.4).
Identifiers: ClinVar variation 2643317 (VCV002643317.24), dbSNP rs143166155, ClinGen allele CA6790199.

ClinVar aggregate classification (germline): Benign (1 of 4 stars; one submission).

Allele frequency attached by ClinVar (database versions not stated): 1000 Genomes Project 0.00240; 1000 Genomes Project 30x 0.00265; ESP Exome Variant Server 0.00308; ExAC 0.00373.
gnomAD v4.1: 6,463 of 1,614,146 alleles (0.4%); highest among the groups gnomAD compares: South Asian, 1.2%; 32 homozygotes.

Submission:

CeGaT Center for Human Genetics Tuebingen
Classification: Benign. Last evaluated: 2026-09-01. Review status: criteria provided, single submitter. Criteria: CeGaT Center For Human Genetics Tuebingen Variant Classification Criteria Version 2. Collection method: clinical testing. Allele origin: germline. Affected: yes. Observed: 2 variant alleles.
Comment: ATXN2: BP4, BP7, BS1, BS2